The following is an entry in ClinVar:

ClinVar aggregate classification (germline): Uncertain significance (1 of 4 stars; one submission).

Submission:

Labcorp Genetics (formerly Invitae), Labcorp
Classification: Uncertain significance. Last evaluated: 2022-11-10. Review status: criteria provided, single submitter. Criteria: Invitae Variant Classification Sherloc (09022015). Collection method: clinical testing. Allele origin: germline.
Comment: This variant has not been reported in the literature in individuals affected with CTR9-related conditions. This sequence change replaces proline, which is neutral and non-polar, with leucine, which is neutral and non-polar, at codon 986 of the CTR9 protein (p.Pro986Leu). This variant is not present in population databases (gnomAD no frequency). Algorithms developed to predict the effect of missense changes on protein structure and function output the following: SIFT: "Tolerated"; PolyPhen-2: "Benign"; Align-GVGD: "Class C0". The leucine amino acid residue is found in multiple mammalian species, which suggests that this missense change does not adversely affect protein function. In summary, the available evidence is currently insufficient to determine the role of this variant in disease. Therefore, it has been classified as a Variant of Uncertain Significance.

NM_014633.5(CTR9):c.2957C>T (p.Pro986Leu)

Gene: CTR9 (CTR9 component of Paf1/RNA polymerase II complex; plus strand). Cytogenetic location: 11p15.4.
Variant type: single nucleotide variant.
Coding change: c.2957C>T on transcript NM_014633.5 (MANE Select); coding-DNA position 2957, C replaced by T.
Protein change: p.Pro986Leu; replaces proline 986 with leucine.
Molecular consequence: missense variant.
Genome position (GRCh38, 1-based): chr11:10,775,278, C>T. VCF-style: chr11-10775278-C-T. GRCh37 (hg19) VCF-style: chr11-10796825-C-T.
Other names: c.2885C>T, p.Pro962Leu (NM_001346279.2); short protein forms P962L, P986L.
Identifiers: ClinVar variation 2870225 (VCV002870225.3), dbSNP rs1863214217, ClinGen allele CA379678220.
Genomic context (GRCh38, chr11:10,775,278, plus strand): 5'-GAGAAGAAGGATCTGATGATGATGAAACAGAAAATGGCCCCAAACCAAAAAAACGACGTC[C>T]ACCAAAAGCAGAGAAGAAAAAGGCTGTAAGTTTATAGTACTGTGTTTTTCTGTCCCCTAG-3'
Protein context (NP_055448.1, residues 976-996): ENGPKPKKRR[Pro986Leu]PKAEKKKAPK